The following is an entry in ClinVar:

NM_001759.4(CCND2):c.784C>T (p.Arg262Cys)

Gene: CCND2 (cyclin D2; plus strand). Cytogenetic location: 12p13.32.
Variant type: single nucleotide variant.
Coding change: c.784C>T on transcript NM_001759.4 (MANE Select); coding-DNA position 784, C replaced by T.
Protein change: p.Arg262Cys; replaces arginine 262 with cysteine.
Molecular consequence: missense variant.
Genome position (GRCh38, 1-based): chr12:4,299,923, C>T. VCF-style: chr12-4299923-C-T. GRCh37 (hg19) VCF-style: chr12-4409089-C-T.
Other names: short protein forms R262C.
Identifiers: ClinVar variation 3682074 (VCV003682074.2).

ClinVar aggregate classification (germline): Uncertain significance (1 of 4 stars; one submission).

Submission:

Labcorp Genetics (formerly Invitae), Labcorp
Classification: Uncertain significance. Last evaluated: 2024-03-15. Review status: criteria provided, single submitter. Criteria: Invitae Variant Classification Sherloc (09022015). Collection method: clinical testing. Allele origin: germline.
Comment: This sequence change replaces arginine, which is basic and polar, with cysteine, which is neutral and slightly polar, at codon 262 of the CCND2 protein (p.Arg262Cys). This variant is present in population databases (rs777848359, gnomAD 0.01%). This variant has not been reported in the literature in individuals affected with CCND2-related conditions. An algorithm developed to predict the effect of missense changes on protein structure and function (PolyPhen-2) suggests that this variant is likely to be disruptive. In summary, the available evidence is currently insufficient to determine the role of this variant in disease. Therefore, it has been classified as a Variant of Uncertain Significance.